The following is an entry in ClinVar:

ClinVar aggregate classification (germline): Uncertain significance. Review status: criteria provided, multiple submitters, no conflicts (2 of 4 stars). 3 submissions from 3 submitters: Uncertain significance (3). Last evaluated 2026-02-25.

Conditions:
Inborn genetic diseases. Identifiers: MedGen C0950123, MeSH D030342.
VPS13B-related disorder. Also called: VPS13B-related condition.
Cohen syndrome (COH1). Also called: Cutis verticis gyrata, retinitis pigmentosa, and sensorineural deafness; PEPPER SYNDROME. Identifiers: Orphanet 193, MedGen C0265223, MONDO:0008999, OMIM 216550.

Allele frequency attached by ClinVar (database versions not stated): gnomAD exomes 0.00001; ExAC 0.00003.
gnomAD v4.1: 20 of 1,614,068 alleles (0.0012%); highest among the groups gnomAD compares: Middle Eastern, 0.017%; no homozygotes.

Submissions (3):

PreventionGenetics, part of Exact Sciences
Classification: Uncertain significance for VPS13B-related condition. Last evaluated: 2026-02-25. Review status: criteria provided, single submitter. Criteria: ACMG Guidelines, 2015. Collection method: clinical testing. Allele origin: germline.
Comment: The VPS13B c.5846G>A variant is predicted to result in the amino acid substitution p.Arg1949Gln. To our knowledge, this variant has not been reported in the literature. This variant is reported in 0.027% of alleles in individuals of East Asian descent in gnomAD. At this time, the clinical significance of this variant is uncertain due to the absence of conclusive functional and genetic evidence.

Ambry Genetics
Classification: Uncertain significance for Inborn genetic diseases. Last evaluated: 2025-05-07. Review status: criteria provided, single submitter. Criteria: Ambry Variant Classification Scheme 2023. Collection method: clinical testing. Allele origin: germline.

Labcorp Genetics (formerly Invitae), Labcorp
Classification: Uncertain significance for Cohen syndrome. Last evaluated: 2022-02-20. Review status: criteria provided, single submitter. Criteria: Invitae Variant Classification Sherloc (09022015). Collection method: clinical testing. Allele origin: germline.
Comment: This sequence change replaces arginine, which is basic and polar, with glutamine, which is neutral and polar, at codon 1974 of the VPS13B protein (p.Arg1974Gln). This variant is present in population databases (rs770439397, gnomAD 0.03%). This variant has not been reported in the literature in individuals affected with VPS13B-related conditions. Algorithms developed to predict the effect of missense changes on protein structure and function are either unavailable or do not agree on the potential impact of this missense change (SIFT: "Not Available"; PolyPhen-2: "Possibly Damaging"; Align-GVGD: "Not Available"). In summary, the available evidence is currently insufficient to determine the role of this variant in disease. Therefore, it has been classified as a Variant of Uncertain Significance.

NM_152564.5(VPS13B):c.5846G>A (p.Arg1949Gln)

Gene: VPS13B (vacuolar protein sorting 13 homolog B; plus strand). Cytogenetic location: 8q22.2.
Variant type: single nucleotide variant.
Coding change: c.5846G>A on transcript NM_152564.5 (MANE Select); coding-DNA position 5846, G replaced by A.
Protein change: p.Arg1949Gln; replaces arginine 1949 with glutamine.
Molecular consequence: missense variant.
Genome position (GRCh38, 1-based): chr8:99,642,436, G>A. VCF-style: chr8-99642436-G-A. GRCh37 (hg19) VCF-style: chr8-100654664-G-A.
Other names: c.5921G>A, p.Arg1974Gln (NM_017890.5); c.5921G>A (NM_017890.3); short protein forms R1974Q, R1949Q.
Identifiers: ClinVar variation 2041028 (VCV002041028.4), dbSNP rs770439397, ClinGen allele CA4823880.
Genomic context (GRCh38, chr8:99,642,436, plus strand): 5'-TTCTGTACTTTATTGTGTCCCAGCCTTCCTTGCTTCTGAGTTGTCACCACAGAAAGCAGC[G>A]AGTGGAAGTATCCATTTTTGATGCTGTGCTTAAAGGGGTGGCCTCTGATTACAAATGTAT-3'
Protein context (NP_689777.3, residues 1939-1959): LLLSCHHRKQ[Arg1949Gln]VEVSIFDAVL